The following is an entry in ClinVar:

ClinVar aggregate classification (germline): Uncertain significance (1 of 4 stars; one submission).

Conditions:
Familial thoracic aortic aneurysm and aortic dissection (TAAD). Also called: Thoracic aortic aneurysms and dissections. Identifiers: Orphanet 91387, MedGen C4707243, MONDO:0019625.
Marfan syndrome (MFS). Also called: FBN1-Related Marfan Syndrome; Marfan syndrome type 1; Marfan's syndrome; Marfan syndrome, classic; MARFAN SYNDROME, TYPE I. Identifiers: Orphanet 284963, Orphanet 558, MedGen C0024796, MONDO:0007947, OMIM 154700.

Allele frequency attached by ClinVar (database versions not stated): TOPMed below 0.00001.

Submission:

Labcorp Genetics (formerly Invitae), Labcorp
Classification: Uncertain significance for Marfan syndrome; Familial thoracic aortic aneurysm and aortic dissection. Last evaluated: 2023-12-07. Review status: criteria provided, single submitter. Criteria: Invitae Variant Classification Sherloc (09022015). Collection method: clinical testing. Allele origin: germline.
Comment: This sequence change replaces arginine, which is basic and polar, with serine, which is neutral and polar, at codon 1054 of the FBN1 protein (p.Arg1054Ser). This variant is not present in population databases (gnomAD no frequency). This missense change has been observed in individual(s) with Marfan syndrome (Invitae). ClinVar contains an entry for this variant (Variation ID: 652696). Advanced modeling of protein sequence and biophysical properties (such as structural, functional, and spatial information, amino acid conservation, physicochemical variation, residue mobility, and thermodynamic stability) performed at Invitae indicates that this missense variant is not expected to disrupt FBN1 protein function with a negative predictive value of 95%. In summary, the available evidence is currently insufficient to determine the role of this variant in disease. Therefore, it has been classified as a Variant of Uncertain Significance.

NM_000138.5(FBN1):c.3162G>C (p.Arg1054Ser)

Gene: FBN1 (fibrillin 1; minus strand). Cytogenetic location: 15q21.1.
Variant type: single nucleotide variant.
Coding change: c.3162G>C on transcript NM_000138.5 (MANE Select); coding-DNA position 3162, G replaced by C.
Protein change: p.Arg1054Ser; replaces arginine 1054 with serine.
Molecular consequence: missense variant.
Genome position (GRCh38, 1-based): chr15:48,488,414, C>G on the plus strand (G>C on the coding strand, the complement: FBN1 is on the minus strand). VCF-style: chr15-48488414-C-G. GRCh37 (hg19) VCF-style: chr15-48780611-C-G.
Other names: short protein forms R1054S.
Identifiers: ClinVar variation 652696 (VCV000652696.10), dbSNP rs746021219, ClinGen allele CA392328025.